The following is an entry in ClinVar:

NM_001134665.3(TRMT10A):c.420+1G>A

Gene: TRMT10A (tRNA methyltransferase 10A; minus strand). Cytogenetic location: 4q23.
Variant type: single nucleotide variant.
Coding change: c.420+1G>A on transcript NM_001134665.3 (MANE Select); the canonical splice donor site of the intron after coding-DNA position 420, G replaced by A.
Molecular consequence: splice donor variant.
Genome position (GRCh38, 1-based): chr4:99,557,344, C>T on the plus strand (G>A on the coding strand, the complement: TRMT10A is on the minus strand). VCF-style: chr4-99557344-C-T. GRCh37 (hg19) VCF-style: chr4-100478501-C-T.
Other names: c.420+1G>A (NM_001134666.3, NM_001375882.1, NM_001375881.1 and 2 more transcripts).
Identifiers: ClinVar variation 4531960 (VCV004531960.1).
Genomic context (GRCh38, chr4:99,557,344, plus strand): 5'-GTCTTTTGCCACAAAAGACATAAAAGAAAACTAGAGTCTGCTTTAAAATCTTTACACATA[C>T]CTGCACAGGATGCAGTGCCCGTCGGTTTTCTGCGTAACATCGTTGAATCTGCTTATGAAG-3'

ClinVar aggregate classification (germline): Likely pathogenic (1 of 4 stars; one submission).

Conditions:
Microcephaly, short stature, and impaired glucose metabolism 1 (MSSGM1). Identifiers: Orphanet 391408, MedGen C4014997, MONDO:0000208, OMIM 616033.

gnomAD v4.1: 1 of 1,612,364 alleles (0.000062%); highest among the groups gnomAD compares: Non-Finnish European, 0.000085%; no homozygotes.

Submission:

Victorian Clinical Genetics Services, Murdoch Childrens Research Institute
Classification: Likely pathogenic for Microcephaly, short stature, and impaired glucose metabolism 1. Last evaluated: 2025-07-23. Review status: criteria provided, single submitter. Criteria: ACMG Guidelines, 2015. Collection method: clinical testing. Allele origin: germline. Affected: yes.
Comment: This variant is classified as Likely pathogenic. Evidence in support of pathogenic classification: Canonical splice site variant without proven consequence on splicing (no functional evidence available); Variant is present in gnomAD <0.01 for a recessive condition (v4: 1 heterozygote(s), 0 homozygote(s)); Abnormal splicing is predicted by in silico tool and affected nucleotide is highly conserved; Strong phenotype match for this individual; Heterozygous variant detected in trans with a second LIKELY PATHOGENIC heterozygous variant (NM_001134665.3(TRMT10A):c.496-1G>A) in a recessive disease. Additional information: This variant is heterozygous; This gene is associated with autosomal recessive disease; Alternative nucleotide change(s) at the same canonical splice site are present in gnomAD (Highest allele count: v4: 1 heterozygote(s), 0 homozygote(s)); This variant has no previous evidence of pathogenicity; No published evidence of segregation with disease has been identified for this variant; No published functional evidence has been identified for this variant; No comparable splice variants have previous evidence for pathogenicity; Loss of function is a known mechanism of disease in this gene and is associated with microcephaly, short stature, and impaired glucose metabolism 1 (MIM#616033).